The following is an entry in ClinVar:

NM_001354483.2(CSGALNACT1):c.1439G>A (p.Arg480His)

Gene: CSGALNACT1 (chondroitin sulfate N-acetylgalactosaminyltransferase 1; minus strand). Cytogenetic location: 8p21.3.
Variant type: single nucleotide variant.
Coding change: c.1439G>A on transcript NM_001354483.2 (MANE Select); coding-DNA position 1439, G replaced by A.
Protein change: p.Arg480His; replaces arginine 480 with histidine.
Molecular consequence: missense variant. On other transcripts: non-coding transcript variant (7).
Genome position (GRCh38, 1-based): chr8:19,405,940, C>T on the plus strand (G>A on the coding strand, the complement: CSGALNACT1 is on the minus strand). VCF-style: chr8-19405940-C-T. GRCh37 (hg19) VCF-style: chr8-19263451-C-T.
Other names: c.1439G>A, p.Arg480His (NM_001130518.2, NM_001354475.2, NM_001354476.2 and 18 more transcripts); short protein forms R480H.
Identifiers: ClinVar variation 1601625 (VCV001601625.13), dbSNP rs144295336, ClinGen allele CA4653759.

ClinVar aggregate classification (germline): Conflicting classifications of pathogenicity. Review status: criteria provided, conflicting classifications (1 of 4 stars). 5 submissions from 5 submitters: Uncertain significance (1); Benign (2); Likely benign (1). 1 of the submissions does not count toward it. Last evaluated 2025-11-08.

Conditions:
Skeletal dysplasia, mild, with joint laxity and advanced bone age. Identifiers: MedGen C5394341, MONDO:0030029, OMIM 618870.
Inborn genetic diseases. Identifiers: MedGen C0950123, MeSH D030342.
CSGALNACT1-related disorder. Also called: CSGALNACT1-related condition.

Allele frequency attached by ClinVar (database versions not stated): gnomAD exomes 0.00024 and 0.00072; ExAC 0.00105; 1000 Genomes Project 30x 0.00172; 1000 Genomes Project 0.00200; gnomAD 0.00265 and 0.00290; TOPMed 0.00316; ESP Exome Variant Server 0.00423.
gnomAD v4.1: 764 of 1,614,098 alleles (0.047%); highest among the groups gnomAD compares: African/African-American, 0.9%; 5 homozygotes.

Submissions (5):

Labcorp Genetics (formerly Invitae), Labcorp
Classification: Benign. Last evaluated: 2025-11-08. Review status: criteria provided, single submitter. Criteria: Invitae Variant Classification Sherloc (09022015). Collection method: clinical testing. Allele origin: germline.

Ambry Genetics
Classification: Uncertain significance for Inborn genetic diseases. Last evaluated: 2025-04-30. Review status: criteria provided, single submitter. Criteria: Ambry Variant Classification Scheme 2023. Collection method: clinical testing. Allele origin: germline.

Fulgent Genetics
Classification: Likely benign for Skeletal dysplasia, mild, with joint laxity and advanced bone age. Last evaluated: 2022-02-10. Review status: criteria provided, single submitter. Criteria: ACMG Guidelines, 2015. Collection method: clinical testing. Allele origin: unknown.

Breakthrough Genomics
Classification: Benign. Review status: criteria provided, single submitter. Criteria: ACMG Guidelines, 2015. Collection method: not provided. Allele origin: germline. Inheritance: Autosomal recessive inheritance. Affected: yes.

PreventionGenetics, part of Exact Sciences
Classification: Benign for CSGALNACT1-related condition. Last evaluated: 2024-03-27. Review status: no assertion criteria provided. Collection method: clinical testing. Allele origin: germline. Not counted in ClinVar's aggregate classification.
Comment: This variant is classified as benign based on ACMG/AMP sequence variant interpretation guidelines (Richards et al. 2015 PMID: 25741868, with internal and published modifications).